The following is an entry in ClinVar:

ClinVar aggregate classification (germline): Likely benign. Review status: criteria provided, multiple submitters, no conflicts (2 of 4 stars). 3 submissions from 3 submitters: Likely benign (3). Last evaluated 2025-12-10.

Conditions:
Glanzmann thrombasthenia. Also called: PLATELET GLYCOPROTEIN IIb-IIIa DEFICIENCY; THROMBASTHENIA OF GLANZMANN AND NAEGELI; Thrombasthenia; Glanzmann's thrombasthenia. Identifiers: Orphanet 849, MedGen C0040015, MONDO:0100326.

Allele frequency attached by ClinVar (database versions not stated): TOPMed 0.00002; gnomAD 0.00008; gnomAD exomes 0.00008; ExAC 0.00029; 1000 Genomes Project 30x 0.00078; 1000 Genomes Project 0.00100.
gnomAD v4.1: 141 of 1,608,864 alleles (0.0088%); highest among the groups gnomAD compares: South Asian, 0.1%; no homozygotes.

Submissions (3):

Labcorp Genetics (formerly Invitae), Labcorp
Classification: Likely benign for Glanzmann thrombasthenia. Last evaluated: 2025-12-10. Review status: criteria provided, single submitter. Criteria: Invitae Variant Classification Sherloc (09022015). Collection method: clinical testing. Allele origin: germline.

Blueprint Genetics
Classification: Likely benign. Last evaluated: 2024-11-13. Review status: criteria provided, single submitter. Criteria: ACMG Guidelines, 2015. Collection method: clinical testing. Allele origin: germline.

CeGaT Center for Human Genetics Tuebingen
Classification: Likely benign. Last evaluated: 2023-11-01. Review status: criteria provided, single submitter. Criteria: CeGaT Center For Human Genetics Tuebingen Variant Classification Criteria Version 2. Collection method: clinical testing. Allele origin: germline. Affected: yes. Observed: 1 variant allele.
Comment: ITGA2B: BP4

NM_000419.5(ITGA2B):c.2094+7C>T

Gene: ITGA2B (integrin subunit alpha 2b; minus strand). Cytogenetic location: 17q21.31.
Variant type: single nucleotide variant.
Coding change: c.2094+7C>T on transcript NM_000419.5 (MANE Select); 7 bases into the intron after coding-DNA position 2094, C replaced by T.
Molecular consequence: intron variant.
Genome position (GRCh38, 1-based): chr17:44,378,355, G>A on the plus strand (C>T on the coding strand, the complement: ITGA2B is on the minus strand). VCF-style: chr17-44378355-G-A. GRCh37 (hg19) VCF-style: chr17-42455723-G-A.
Identifiers: ClinVar variation 2018300 (VCV002018300.28), dbSNP rs537219908, ClinGen allele CA8602837.